The following is an entry in ClinVar:

NM_016107.5(ZFR):c.1301C>T (p.Ser434Leu)

Gene: ZFR (zinc finger RNA binding protein; minus strand). Cytogenetic location: 5p13.3.
Variant type: single nucleotide variant.
Coding change: c.1301C>T on transcript NM_016107.5 (MANE Select); coding-DNA position 1301, C replaced by T.
Protein change: p.Ser434Leu; replaces serine 434 with leucine.
Molecular consequence: missense variant. On other transcripts: non-coding transcript variant (1).
Genome position (GRCh38, 1-based): chr5:32,403,321, G>A on the plus strand (C>T on the coding strand, the complement: ZFR is on the minus strand). VCF-style: chr5-32403321-G-A. GRCh37 (hg19) VCF-style: chr5-32403426-G-A.
Other names: short protein forms S434L.
Identifiers: ClinVar variation 2911160 (VCV002911160.3), dbSNP rs2478408450, ClinGen allele CA359360159.

ClinVar aggregate classification (germline): Uncertain significance (1 of 4 stars; one submission).

Conditions:
Pure or complex autosomal recessive spastic paraplegia. Identifiers: Orphanet 320346, MedGen C5679887, MONDO:0017915.

Submission:

Labcorp Genetics (formerly Invitae), Labcorp
Classification: Uncertain significance for Pure or complex autosomal recessive spastic paraplegia. Last evaluated: 2024-01-07. Review status: criteria provided, single submitter. Criteria: Invitae Variant Classification Sherloc (09022015). Collection method: clinical testing. Allele origin: germline.
Comment: This sequence change replaces serine, which is neutral and polar, with leucine, which is neutral and non-polar, at codon 434 of the ZFR protein (p.Ser434Leu). This variant is not present in population databases (gnomAD no frequency). This variant has not been reported in the literature in individuals affected with ZFR-related conditions. Experimental studies and prediction algorithms are not available or were not evaluated, and the functional significance of this variant is currently unknown. In summary, the available evidence is currently insufficient to determine the role of this variant in disease. Therefore, it has been classified as a Variant of Uncertain Significance.